The following is an entry in ClinVar:

ClinVar aggregate classification (germline): Uncertain significance. Review status: criteria provided, multiple submitters, no conflicts (2 of 4 stars). 3 submissions from 3 submitters: Uncertain significance (3). Last evaluated 2025-03-28.

Conditions:
Hyperparathyroidism 4 (HRPT4). Identifiers: MedGen C4479229, MONDO:0024570, OMIM 617343.
Hypoparathyroidism, familial isolated, 2. Identifiers: MedGen C5394383, MONDO:0020798, OMIM 618883.
GCM2-related disorder. Also called: GCM2-related condition.

Submissions (3):

Labcorp Genetics (formerly Invitae), Labcorp
Classification: Uncertain significance. Last evaluated: 2025-03-28. Review status: criteria provided, single submitter. Criteria: Invitae Variant Classification Sherloc (09022015). Collection method: clinical testing. Allele origin: germline.
Comment: This sequence change replaces arginine, which is basic and polar, with histidine, which is basic and polar, at codon 47 of the GCM2 protein (p.Arg47His). This variant is present in population databases (rs104893959, gnomAD 0.01%). This variant has not been reported in the literature in individuals affected with GCM2-related conditions. ClinVar contains an entry for this variant (Variation ID: 3592978). Invitae Evidence Modeling of protein sequence and biophysical properties (such as structural, functional, and spatial information, amino acid conservation, physicochemical variation, residue mobility, and thermodynamic stability) indicates that this missense variant is expected to disrupt GCM2 protein function with a positive predictive value of 80%. This variant disrupts the p.Arg47 amino acid residue in GCM2. Other variant(s) that disrupt this residue have been determined to be pathogenic (PMID: 15863676, 31671402; internal data). This suggests that this residue is clinically significant, and that variants that disrupt this residue are likely to be disease-causing. In summary, the available evidence is currently insufficient to determine the role of this variant in disease. Therefore, it has been classified as a Variant of Uncertain Significance.

PreventionGenetics, part of Exact Sciences
Classification: Uncertain significance for GCM2-related condition. Last evaluated: 2025-01-15. Review status: criteria provided, single submitter. Criteria: ACMG Guidelines, 2015. Collection method: clinical testing. Allele origin: germline.
Comment: The GCM2 c.140G>A variant is predicted to result in the amino acid substitution p.Arg47His. To our knowledge, this variant has not been reported in the literature. Different amino acid substitutions at this position (p.Arg47Leu, p.Arg47Cys) have been reported in patients with features of GCM2-related disorders (Baumber et al. 2005. PubMed ID: 15863676; García-Castaño et al. 2024. PubMed ID: 38586466). Functional analysis of the p.Arg47Leu variant indicates this variant is an inactivating variant, more commonly associated with autosomal recessive disease which may suggest the p.Arg47His could be an inactivating variant as well (Canaff et al. 2009. PubMed ID: 18712808). This variant is reported in 0.0099% of alleles in individuals of Ashkenazi Jewish descent in gnomAD. Although we suspect that this variant may be pathogenic, at this time, the clinical significance of this variant is uncertain due to the absence of conclusive functional and genetic evidence.

Fulgent Genetics
Classification: Uncertain significance for Hyperparathyroidism 4; Hypoparathyroidism, familial isolated, 2. Last evaluated: 2024-05-21. Review status: criteria provided, single submitter. Criteria: ACMG Guidelines, 2015. Collection method: clinical testing. Allele origin: germline.

Literature cited by the submitters: PubMed 15863676 (cited by Labcorp Genetics (formerly Invitae), Labcorp); PubMed 31671402 (cited by Labcorp Genetics (formerly Invitae), Labcorp).

NM_004752.4(GCM2):c.140G>A (p.Arg47His)

Gene: GCM2 (GCM transcription factor 2; minus strand). Cytogenetic location: 6p24.2.
Variant type: single nucleotide variant.
Coding change: c.140G>A on transcript NM_004752.4 (MANE Select); coding-DNA position 140, G replaced by A.
Protein change: p.Arg47His; replaces arginine 47 with histidine.
Molecular consequence: missense variant.
Genome position (GRCh38, 1-based): chr6:10,877,343, C>T on the plus strand (G>A on the coding strand, the complement: GCM2 is on the minus strand). VCF-style: chr6-10877343-C-T. GRCh37 (hg19) VCF-style: chr6-10877576-C-T.
Other names: c.140G>A (NM_004752.3); short protein forms R47H.
Identifiers: ClinVar variation 3592978 (VCV003592978.4).
Genomic context (GRCh38, chr6:10,877,343, plus strand): 5'-CGCATGGCCCAGCCGCTCAGGTGACGCTGTGCCTTCTTCTCATCGCTGCTGTAGATGAAG[C>T]GCACATAGCCGTCAGGCCACTCTCGGAATTGGTCAAAGAGGGCCAGCTCCTGGAAGAGTG-3'
Protein context (NP_004743.1, residues 37-57): QFREWPDGYV[Arg47His]FIYSSDEKKA